The following is an entry in ClinVar:

ClinVar aggregate classification (germline): Uncertain significance (1 of 4 stars; one submission).

Submission:

Labcorp Genetics (formerly Invitae), Labcorp
Classification: Uncertain significance. Last evaluated: 2022-03-03. Review status: criteria provided, single submitter. Criteria: Invitae Variant Classification Sherloc (09022015). Collection method: clinical testing. Allele origin: germline.
Comment: Experimental studies and prediction algorithms are not available or were not evaluated, and the functional significance of this variant is currently unknown. ClinVar contains an entry for this variant (Variation ID: 1023376). This variant has been observed in individual(s) with clinical features of Robinow syndrome (Invitae). This variant is not present in population databases (gnomAD no frequency). This variant, c.463_486del, results in the deletion of 8 amino acid(s) of the WNT5A protein (p.Arg155_Cys162del), but otherwise preserves the integrity of the reading frame. In summary, the available evidence is currently insufficient to determine the role of this variant in disease. Therefore, it has been classified as a Variant of Uncertain Significance.

NM_003392.7(WNT5A):c.463_486del (p.Arg155_Cys162del)

Gene: WNT5A (Wnt family member 5A; minus strand). Cytogenetic location: 3p14.3.
Variant type: Deletion.
Coding change: c.463_486del on transcript NM_003392.7 (MANE Select); coding-DNA positions 463 to 486, 24 bases deleted (CGCGAGGGCGAGCTGTCCACCTGC).
Protein change: p.Arg155_Cys162del.
Molecular consequence: inframe deletion.
Genome position (GRCh38, 1-based): chr3:55,474,535-55,474,558, GCAGGTGGACAGCTCGCCCTCGCG deleted on the plus strand (CGCGAGGGCGAGCTGTCCACCTGC on the coding strand, the reverse complement: WNT5A is on the minus strand); deleting any 24 consecutive bases within chr3:55,474,535-55,474,561 gives the same sequence; the c. name uses the placement nearest the transcript's 3' end. VCF-style (leftmost placement, unchanged base first): chr3-55474534-CGCAGGTGGACAGCTCGCCCTCGCG-C. GRCh37 (hg19) VCF-style: chr3-55508562-CGCAGGTGGACAGCTCGCCCTCGCG-C.
Other names: c.418_441del, p.Arg140_Cys147del (NM_001256105.1, NM_001377271.1, NM_001377272.1).
Identifiers: ClinVar variation 1023376 (VCV001023376.5), dbSNP rs2051314733, ClinGen allele CA1366296346.
Genomic context (GRCh38, chr3:55,474,534, plus strand): 5'-CGCAGCCGCCCCAGAGCCAGTCCCGCGGCAGGTCCTTGGGGCGCGCGGCGCGGCTGCAGC[CGCAGGTGGACAGCTCGCCCTCGCG>C]GCACGCCCGGCTCATGGCGTTCACCACCCCTGCTGCGCTCACCGCGTATGTGAAGGCCGT-3'